The following is an entry in ClinVar:

NM_001122630.2(CDKN1C):c.772G>T (p.Gly258Trp)

Gene: CDKN1C (cyclin dependent kinase inhibitor 1C; minus strand). Cytogenetic location: 11p15.4.
Variant type: single nucleotide variant.
Coding change: c.772G>T on transcript NM_001122630.2 (MANE Select); coding-DNA position 772, G replaced by T.
Protein change: p.Gly258Trp; replaces glycine 258 with tryptophan.
Molecular consequence: missense variant. On other transcripts: intron variant (1).
Genome position (GRCh38, 1-based): chr11:2,884,685, C>A on the plus strand (G>T on the coding strand, the complement: CDKN1C is on the minus strand). VCF-style: chr11-2884685-C-A. GRCh37 (hg19) VCF-style: chr11-2905915-C-A.
Other names: c.805G>T, p.Gly269Trp (NM_000076.2, NM_001362474.2); c.772G>T, p.Gly258Trp (NM_001122631.2); c.255+517G>T (NM_001362475.2); short protein forms G258W, G269W.
Identifiers: ClinVar variation 2162641 (VCV002162641.4), dbSNP rs1275242295, ClinGen allele CA379145542.
Genomic context (GRCh38, chr11:2,884,685, plus strand): 5'-AAAGCGGGGCCGGGCCGGGCCGGGGCGGGGCCGTGCGGGGCTCACCGGAGATCAGAGGCC[C>A]GGACAGCTTCTTGATCGCCGCGCCGTTGGCGCTGGCGGCCGCGGTGCCGGCCGCGGGACG-3'
Protein context (NP_001116102.1, residues 248-268): ANGAAIKKLS[Gly258Trp]PLISDFFAKR

ClinVar aggregate classification (germline): Uncertain significance (1 of 4 stars; one submission).

Conditions:
Beckwith-Wiedemann syndrome (BWS). Also called: EMG SYNDROME; Exomphalos macroglossia gigantism syndrome. Identifiers: Orphanet 116, MedGen C0004903, MONDO:0007534, OMIM 130650.

Submission:

Labcorp Genetics (formerly Invitae), Labcorp
Classification: Uncertain significance for Beckwith-Wiedemann syndrome. Last evaluated: 2022-06-13. Review status: criteria provided, single submitter. Criteria: Invitae Variant Classification Sherloc (09022015). Collection method: clinical testing. Allele origin: germline.
Comment: This variant has not been reported in the literature in individuals affected with CDKN1C-related conditions. In summary, the available evidence is currently insufficient to determine the role of this variant in disease. Therefore, it has been classified as a Variant of Uncertain Significance. Algorithms developed to predict the effect of missense changes on protein structure and function are either unavailable or do not agree on the potential impact of this missense change (SIFT: "Deleterious"; PolyPhen-2: "Not Available"; Align-GVGD: "Class C0"). This variant is not present in population databases (gnomAD no frequency). This sequence change replaces glycine, which is neutral and non-polar, with tryptophan, which is neutral and slightly polar, at codon 269 of the CDKN1C protein (p.Gly269Trp).